The following is an entry in ClinVar:

ClinVar aggregate classification (germline): Uncertain significance. Review status: criteria provided, multiple submitters, no conflicts (2 of 4 stars). 4 submissions from 4 submitters: Uncertain significance (4). Last evaluated 2025-07-03.

Conditions:
Anemia, congenital dyserythropoietic, type 1a (CDAN1A). Also called: CDAN1-Related Congenital Dyserythropoietic Anemia; DYSERYTHROPOIETIC ANEMIA, CONGENITAL, TYPE Ia. Identifiers: MedGen C5574667, MONDO:0009135, OMIM 224120.
Inborn genetic diseases. Identifiers: MedGen C0950123, MeSH D030342.

Allele frequency attached by ClinVar (database versions not stated): gnomAD 0.00007; ESP Exome Variant Server 0.00008; TOPMed 0.00009.
gnomAD v4.1: 65 of 1,614,118 alleles (0.004%); highest among the groups gnomAD compares: African/African-American, 0.016%; no homozygotes.

Submissions (4):

Ambry Genetics
Classification: Uncertain significance for Inborn genetic diseases. Last evaluated: 2025-07-03. Review status: criteria provided, single submitter. Criteria: Ambry Variant Classification Scheme 2023. Collection method: clinical testing. Allele origin: germline.

Blueprint Genetics
Classification: Uncertain significance. Last evaluated: 2024-07-03. Review status: criteria provided, single submitter. Criteria: ACMG Guidelines, 2015. Collection method: clinical testing. Allele origin: germline.

Revvity Omics, Revvity
Classification: Uncertain significance for Anemia, congenital dyserythropoietic, type 1a. Last evaluated: 2024-05-07. Review status: criteria provided, single submitter. Criteria: ACMG Guidelines, 2015. Collection method: clinical testing. Allele origin: germline.

Labcorp Genetics (formerly Invitae), Labcorp
Classification: Uncertain significance. Last evaluated: 2022-05-03. Review status: criteria provided, single submitter. Criteria: Invitae Variant Classification Sherloc (09022015). Collection method: clinical testing. Allele origin: germline.
Comment: This sequence change replaces arginine, which is basic and polar, with histidine, which is basic and polar, at codon 863 of the CDAN1 protein (p.Arg863His). This variant is present in population databases (rs147564414, gnomAD 0.01%). This variant has not been reported in the literature in individuals affected with CDAN1-related conditions. Algorithms developed to predict the effect of missense changes on protein structure and function are either unavailable or do not agree on the potential impact of this missense change (SIFT: "Deleterious"; PolyPhen-2: "Probably Damaging"; Align-GVGD: "Class C0"). In summary, the available evidence is currently insufficient to determine the role of this variant in disease. Therefore, it has been classified as a Variant of Uncertain Significance.

NM_138477.4(CDAN1):c.2588G>A (p.Arg863His)

Gene: CDAN1 (codanin 1; minus strand). Cytogenetic location: 15q15.2.
Variant type: single nucleotide variant.
Coding change: c.2588G>A on transcript NM_138477.4 (MANE Select); coding-DNA position 2588, G replaced by A.
Protein change: p.Arg863His; replaces arginine 863 with histidine.
Molecular consequence: missense variant.
Genome position (GRCh38, 1-based): chr15:42,729,080, C>T on the plus strand (G>A on the coding strand, the complement: CDAN1 is on the minus strand). VCF-style: chr15-42729080-C-T. GRCh37 (hg19) VCF-style: chr15-43021278-C-T.
Other names: c.2588G>A (NM_138477.2); short protein forms R863H.
Identifiers: ClinVar variation 2076662 (VCV002076662.4), dbSNP rs147564414, ClinGen allele CA7515564.